The following is an entry in ClinVar:

ClinVar aggregate classification (germline): Uncertain significance (1 of 4 stars; one submission).

Conditions:
Primary ciliary dyskinesia. Also called: Ciliary dyskinesia. Identifiers: Orphanet 244, MedGen C0008780, MONDO:0016575, HP:0012265.

Allele frequency attached by ClinVar (database versions not stated): gnomAD exomes below 0.00001.
gnomAD v4.1: 4 of 1,614,104 alleles (0.00025%); highest among the groups gnomAD compares: Non-Finnish European, 0.00034%; no homozygotes.

Submission:

Ambry Genetics
Classification: Uncertain significance for Primary ciliary dyskinesia. Last evaluated: 2017-06-20. Review status: criteria provided, single submitter. Criteria: Ambry Variant Classification Scheme 2023. Collection method: clinical testing. Allele origin: germline.
Comment: The p.D2152V variant (also known as c.6455A>T), located in coding exon 39 of the DNAH5 gene, results from an A to T substitution at nucleotide position 6455. The aspartic acid at codon 2152 is replaced by valine, an amino acid with highly dissimilar properties. This amino acid position is highly conserved in available vertebrate species. In addition, this alteration is predicted to be deleterious by in silico analysis. Since supporting evidence is limited at this time, the clinical significance of this alteration remains unclear.

NM_001369.3(DNAH5):c.6455A>T (p.Asp2152Val)

Gene: DNAH5 (dynein axonemal heavy chain 5; minus strand). Cytogenetic location: 5p15.2.
Variant type: single nucleotide variant.
Coding change: c.6455A>T on transcript NM_001369.3 (MANE Select); coding-DNA position 6455, A replaced by T.
Protein change: p.Asp2152Val; replaces aspartic acid 2152 with valine.
Molecular consequence: missense variant.
Genome position (GRCh38, 1-based): chr5:13,824,323, T>A on the plus strand (A>T on the coding strand, the complement: DNAH5 is on the minus strand). VCF-style: chr5-13824323-T-A. GRCh37 (hg19) VCF-style: chr5-13824432-T-A.
Other names: short protein forms D2152V.
Identifiers: ClinVar variation 1753618 (VCV001753618.2), dbSNP rs1389551827, ClinGen allele CA359198053.